The following is an entry in ClinVar:

NM_000254.3(MTR):c.503-2A>G

Gene: MTR (5-methyltetrahydrofolate-homocysteine methyltransferase; plus strand). Cytogenetic location: 1q43.
Variant type: single nucleotide variant.
Coding change: c.503-2A>G on transcript NM_000254.3 (MANE Select); the canonical splice acceptor site of the intron before coding-DNA position 503, A replaced by G.
Molecular consequence: splice acceptor variant.
Genome position (GRCh38, 1-based): chr1:236,812,736, A>G. VCF-style: chr1-236812736-A-G. GRCh37 (hg19) VCF-style: chr1-236976036-A-G.
Other names: c.503-2A>G (NM_001291939.1, NM_001410942.1); c.-606-2A>G (NM_001291940.2).
Identifiers: ClinVar variation 2862025 (VCV002862025.3), dbSNP rs1269957639, ClinGen allele CA345383929.
Genomic context (GRCh38, chr1:236,812,736, plus strand): 5'-ACCCTAGGGCCATTCAGAGGATATTGATGACTGATGTGCTGGGTGTGATTTATTTTTTGC[A>G]GCATTTGATGAGCTTGTTGAAGCATACCAAGAGCAGGCCAAAGGACTTCTGGATGGCGGG-3'

ClinVar aggregate classification (germline): Likely pathogenic (1 of 4 stars; one submission).

Conditions:
Methylcobalamin deficiency type cblG (HMAG). Also called: Functional methionine synthase deficiency type cblG; HOMOCYSTINURIA-MEGALOBLASTIC ANEMIA DUE TO DEFECT IN COBALAMIN METABOLISM, cblG COMPLEMENTATION TYPE; HOMOCYSTINURIA-MEGALOBLASTIC ANEMIA, cblG TYPE; HOMOCYSTINURIA-MEGALOBLASTIC ANEMIA, cblG COMPLEMENTATION TYPE. Identifiers: Orphanet 2170, Orphanet 622, MedGen C1855128, MONDO:0009609, OMIM 250940.

Allele frequency attached by ClinVar (database versions not stated): gnomAD exomes 0.00001.
gnomAD v4.1: 4 of 1,613,530 alleles (0.00025%); highest among the groups gnomAD compares: Non-Finnish European, 0.00034%; no homozygotes.

Submission:

Labcorp Genetics (formerly Invitae), Labcorp
Classification: Likely pathogenic for Methylcobalamin deficiency type cblG. Last evaluated: 2023-05-05. Review status: criteria provided, single submitter. Criteria: Invitae Variant Classification Sherloc (09022015). Collection method: clinical testing. Allele origin: germline.
Comment: In summary, the currently available evidence indicates that the variant is pathogenic, but additional data are needed to prove that conclusively. Therefore, this variant has been classified as Likely Pathogenic. Algorithms developed to predict the effect of sequence changes on RNA splicing suggest that this variant may disrupt the consensus splice site. This variant has not been reported in the literature in individuals affected with MTR-related conditions. This variant is present in population databases (no rsID available, gnomAD 0.0009%). This sequence change affects an acceptor splice site in intron 5 of the MTR gene. It is expected to disrupt RNA splicing. Variants that disrupt the donor or acceptor splice site typically lead to a loss of protein function (PMID: 16199547), and loss-of-function variants in MTR are known to be pathogenic (PMID: 9683607, 12068375).

Literature cited by the submitters: PubMed 16199547; PubMed 9683607; PubMed 12068375.